The following is an entry in ClinVar:

NM_000059.4(BRCA2):c.3180C>G (p.Ser1060Arg)

Gene: BRCA2 (BRCA2 DNA repair associated; plus strand). Cytogenetic location: 13q13.1.
Variant type: single nucleotide variant.
Coding change: c.3180C>G on transcript NM_000059.4 (MANE Select); coding-DNA position 3180, C replaced by G.
Protein change: p.Ser1060Arg; replaces serine 1060 with arginine.
Molecular consequence: missense variant.
Genome position (GRCh38, 1-based): chr13:32,337,535, C>G. VCF-style: chr13-32337535-C-G. GRCh37 (hg19) VCF-style: chr13-32911672-C-G.
Other names: short protein forms S1060R.
Identifiers: ClinVar variation 483052 (VCV000483052.16), dbSNP rs786203536, ClinGen allele CA387775826.

ClinVar aggregate classification (germline): Conflicting classifications of pathogenicity. Review status: criteria provided, conflicting classifications (1 of 4 stars). 3 submissions from 3 submitters: Uncertain significance (2); Likely benign (1). Last evaluated 2023-04-07.

Conditions:
Hereditary cancer-predisposing syndrome. Also called: Neoplastic Syndromes, Hereditary; Tumor predisposition; Hereditary Cancer Syndrome; Hereditary neoplastic syndrome. Identifiers: Orphanet 140162, MedGen C0027672, MeSH D009386, MONDO:0015356.
Hereditary breast ovarian cancer syndrome. Also called: Hereditary breast and ovarian cancer syndrome; Hereditary breast and ovarian cancer; Hereditary breast and ovarian cancer syndrome (HBOC); Breast and ovarian cancer; Hereditary breast and/or ovarian cancer syndrome; BRCA1- and BRCA2-Associated Hereditary Breast and Ovarian Cancer. Identifiers: Orphanet 145, MedGen C0677776, MeSH D061325, MONDO:0003582. Disease mechanism: loss of function.

Submissions (3):

Labcorp Genetics (formerly Invitae), Labcorp
Classification: Uncertain significance for Hereditary breast ovarian cancer syndrome. Last evaluated: 2023-04-07. Review status: criteria provided, single submitter. Criteria: Invitae Variant Classification Sherloc (09022015). Collection method: clinical testing. Allele origin: germline.
Comment: This variant has not been reported in the literature in individuals affected with BRCA2-related conditions. In summary, the available evidence is currently insufficient to determine the role of this variant in disease. Therefore, it has been classified as a Variant of Uncertain Significance. Advanced modeling of protein sequence and biophysical properties (such as structural, functional, and spatial information, amino acid conservation, physicochemical variation, residue mobility, and thermodynamic stability) performed at Invitae indicates that this missense variant is not expected to disrupt BRCA2 protein function. ClinVar contains an entry for this variant (Variation ID: 483052). This variant is not present in population databases (gnomAD no frequency). This sequence change replaces serine, which is neutral and polar, with arginine, which is basic and polar, at codon 1060 of the BRCA2 protein (p.Ser1060Arg).

University of Washington Department of Laboratory Medicine, University of Washington
Classification: Likely benign for Hereditary cancer-predisposing syndrome. Last evaluated: 2023-03-23. Review status: criteria provided, single submitter. Criteria: Dines et al. (Genet Med. 2020). Collection method: curation. Allele origin: germline.
Comment: Missense variant in a coldspot region where missense variants are very unlikely to be pathogenic (PMID:31911673).

BRCA2 exon 11 coldspot. Reclassification based on statistical prior probability.

Ambry Genetics
Classification: Uncertain significance for Hereditary cancer-predisposing syndrome. Last evaluated: 2022-07-25. Review status: criteria provided, single submitter. Criteria: Ambry Variant Classification Scheme 2023. Collection method: clinical testing. Allele origin: germline.
Comment: The p.S1060R variant (also known as c.3180C>G), located in coding exon 10 of the BRCA2 gene, results from a C to G substitution at nucleotide position 3180. The serine at codon 1060 is replaced by arginine, an amino acid with dissimilar properties. This variant was not reported in population based cohorts in the following databases: Database of Single Nucleotide Polymorphisms (dbSNP), NHLBI Exome Sequencing Project (ESP), and 1000 Genomes Project. In the ESP, this variant was not observed in 6500 samples (13000 alleles) with coverage at this position. To date, this alteration has been detected with an allele frequency of approximately 0.0003% (greater than 300000 alleles tested) in our clinical cohort. This amino acid position is poorly conserved in available vertebrate species. In addition, this alteration is predicted to be tolerated by in silico analysis. Since supporting evidence is limited at this time, the clinical significance of this alteration remains unclear.